The following is an entry in ClinVar:

ClinVar aggregate classification (germline): Pathogenic (1 of 4 stars; one submission).

Submission:

Labcorp Genetics (formerly Invitae), Labcorp
Classification: Pathogenic. Last evaluated: 2023-08-29. Review status: criteria provided, single submitter. Criteria: Invitae Variant Classification Sherloc (09022015). Collection method: clinical testing. Allele origin: germline.
Comment: For these reasons, this variant has been classified as Pathogenic. This variant has not been reported in the literature in individuals affected with ADGRV1-related conditions. This variant is not present in population databases (gnomAD no frequency). This sequence change creates a premature translational stop signal (p.Ala502Serfs*10) in the ADGRV1 gene. It is expected to result in an absent or disrupted protein product. Loss-of-function variants in ADGRV1 are known to be pathogenic (PMID: 19357117, 22135276, 22147658, 26226137, 30718709, 31047384, 32467589).

Literature cited by the submitters: PubMed 19357117; PubMed 22135276; PubMed 22147658; PubMed 26226137; PubMed 30718709; PubMed 31047384; PubMed 32467589.

NM_032119.4(ADGRV1):c.1502dup (p.Ala502fs)

Gene: ADGRV1 (adhesion G protein-coupled receptor V1; plus strand). Cytogenetic location: 5q14.3.
Variant type: Duplication.
Coding change: c.1502dup on transcript NM_032119.4 (MANE Select); coding-DNA position 1502, one base duplicated (C; older notation c.1502dupC).
Protein change: p.Ala502fs; shifts the reading frame from alanine 502.
Molecular consequence: frameshift variant. On other transcripts: non-coding transcript variant (1).
Genome position (GRCh38, 1-based): chr5:90,628,825, C duplicated; the last of 2 consecutive C bases (chr5:90,628,824-90,628,825); duplicating either gives the same sequence. VCF-style (leftmost placement, unchanged base first): chr5-90628823-G-GC. GRCh37 (hg19) VCF-style: chr5-89924640-G-GC.
Other names: short protein forms A502fs.
Identifiers: ClinVar variation 2755862 (VCV002755862.3), dbSNP rs2531832380, ClinGen allele CA2697546279.
Genomic context (GRCh38, chr5:90,628,823, plus strand): 5'-AGAAGCTTATCTACTTCAAATTCTGCCTCATACAATACGAGGAGGTGCAGAAGTGAGCGA[G>GC]CCAGCGGAGGTATAACCCTTGTTATGCTTTATGCTTGTTAATATTTCTGTGCTGTACAAG-3'